The following is an entry in ClinVar:

ClinVar aggregate classification (germline): Uncertain significance (1 of 4 stars; one submission).

Conditions:
Hereditary cancer-predisposing syndrome. Also called: Tumor predisposition; Hereditary neoplastic syndrome; Neoplastic Syndromes, Hereditary; Hereditary Cancer Syndrome. Identifiers: Orphanet 140162, MedGen C0027672, MeSH D009386, MONDO:0015356.

Submission:

Ambry Genetics
Classification: Uncertain significance for Hereditary cancer-predisposing syndrome. Last evaluated: 2025-05-04. Review status: criteria provided, single submitter. Criteria: Ambry Variant Classification Scheme 2023. Collection method: clinical testing. Allele origin: germline.
Comment: The p.K99E variant (also known as c.295A>G), located in coding exon 2 of the CTNNA1 gene, results from an A to G substitution at nucleotide position 295. The lysine at codon 99 is replaced by glutamic acid, an amino acid with similar properties. This amino acid position is conserved. In addition, the in silico prediction for this alteration is inconclusive. Based on the available evidence, the clinical significance of this variant remains unclear.

NM_001903.5(CTNNA1):c.295A>G (p.Lys99Glu)

Gene: CTNNA1 (catenin alpha 1; plus strand). Cytogenetic location: 5q31.2.
Variant type: single nucleotide variant.
Coding change: c.295A>G on transcript NM_001903.5 (MANE Select); coding-DNA position 295, A replaced by G.
Protein change: p.Lys99Glu; replaces lysine 99 with glutamic acid.
Molecular consequence: missense variant. On other transcripts: intron variant (2).
Genome position (GRCh38, 1-based): chr5:138,783,366, A>G. VCF-style: chr5-138783366-A-G. GRCh37 (hg19) VCF-style: chr5-138119055-A-G.
Other names: c.295A>G, p.Lys99Glu (NM_001290307.3, NM_001323982.2, NM_001323983.1 and 3 more transcripts); c.-6+94A>G (NM_001290310.3); c.-9+1337A>G (NM_001290309.3); short protein forms K99E.
Identifiers: ClinVar variation 4007990 (VCV004007990.1).